The following is an entry in ClinVar:

NM_002109.6(HARS1):c.446G>A (p.Arg149His)

Gene: HARS1 (histidyl-tRNA synthetase 1; minus strand). Cytogenetic location: 5q31.3.
Variant type: single nucleotide variant.
Coding change: c.446G>A on transcript NM_002109.6 (MANE Select); coding-DNA position 446, G replaced by A.
Protein change: p.Arg149His; replaces arginine 149 with histidine.
Molecular consequence: missense variant. On other transcripts: intron variant (2).
Genome position (GRCh38, 1-based): chr5:140,679,078, C>T on the plus strand (G>A on the coding strand, the complement: HARS1 is on the minus strand). VCF-style: chr5-140679078-C-T. GRCh37 (hg19) VCF-style: chr5-140058663-C-T.
Other names: c.326G>A, p.Arg109His (NM_001258040.3, NM_001258042.3); c.446G>A, p.Arg149His (NM_001258041.3); c.359G>A, p.Arg120His (NM_001289094.2); c.181-1063G>A (NM_001289093.2); c.301-1063G>A (NM_001289092.2); short protein forms R120H, R149H, R109H.
Identifiers: ClinVar variation 4985934 (VCV004985934.1).

ClinVar aggregate classification (germline): Uncertain significance (1 of 4 stars; one submission).

Conditions:
HARS1-related disorder. Also called: HARS1-related condition.

Submission:

PreventionGenetics, part of Exact Sciences
Classification: Uncertain significance for HARS1-related condition. Last evaluated: 2025-04-15. Review status: criteria provided, single submitter. Criteria: ACMG Guidelines, 2015. Collection method: clinical testing. Allele origin: germline.
Comment: The HARS1 c.446G>A variant is predicted to result in the amino acid substitution p.Arg149His. To our knowledge, this variant has not been reported in the literature in individuals with HARS1-related disorders. This variant is reported in 0.0065% of alleles in individuals of South Asian descent in gnomAD. At this time, the clinical significance of this variant is uncertain due to the absence of conclusive functional and genetic evidence.